The following is an entry in ClinVar:

ClinVar aggregate classification (germline): Uncertain significance (1 of 4 stars; one submission).

Conditions:
Neuropathy, hereditary sensory and autonomic, type 2A (HSAN2A). Also called: MORVAN DISEASE; NEUROPATHY, CONGENITAL SENSORY; NEUROPATHY, HEREDITARY SENSORY RADICULAR, AUTOSOMAL RECESSIVE; NEUROPATHY, HEREDITARY SENSORY, TYPE IIA; NEUROPATHY, PROGRESSIVE SENSORY, OF CHILDREN; WNK1-Related HSAN2 (HSAN2A). Identifiers: Orphanet 970, MedGen C2752089, MONDO:0024309, OMIM 201300.
Pseudohypoaldosteronism type 2C (PHA2C). Also called: Pseudohypoaldosteronism Type IIC. Identifiers: Orphanet 757, Orphanet 88940, MedGen C1840391, MONDO:0013778, OMIM 614492.

Allele frequency attached by ClinVar (database versions not stated): TOPMed 0.00002.
gnomAD v4.1: 8 of 1,613,820 alleles (0.0005%); highest among the groups gnomAD compares: African/African-American, 0.0093%; no homozygotes.

Submission:

Labcorp Genetics (formerly Invitae), Labcorp
Classification: Uncertain significance for Neuropathy, hereditary sensory and autonomic, type 2A; Pseudohypoaldosteronism type 2C. Last evaluated: 2024-02-13. Review status: criteria provided, single submitter. Criteria: Invitae Variant Classification Sherloc (09022015). Collection method: clinical testing. Allele origin: germline.
Comment: This sequence change replaces proline, which is neutral and non-polar, with histidine, which is basic and polar, at codon 1010 of the WNK1 protein (p.Pro1010His). This variant is present in population databases (rs750384751, gnomAD 0.01%). This variant has not been reported in the literature in individuals affected with WNK1-related conditions. ClinVar contains an entry for this variant (Variation ID: 948183). Advanced modeling of protein sequence and biophysical properties (such as structural, functional, and spatial information, amino acid conservation, physicochemical variation, residue mobility, and thermodynamic stability) performed at Invitae indicates that this missense variant is not expected to disrupt WNK1 protein function with a negative predictive value of 95%. In summary, the available evidence is currently insufficient to determine the role of this variant in disease. Therefore, it has been classified as a Variant of Uncertain Significance.

NM_213655.5(WNK1):c.3029C>A (p.Pro1010His)

Gene: WNK1 (WNK lysine deficient protein kinase 1; plus strand). Cytogenetic location: 12p13.33.
Variant type: single nucleotide variant.
Coding change: c.3029C>A on transcript NM_213655.5 (MANE Plus Clinical); coding-DNA position 3029, C replaced by A.
Protein change: p.Pro1010His; replaces proline 1010 with histidine.
Molecular consequence: missense variant. On other transcripts: intron variant (2).
Genome position (GRCh38, 1-based): chr12:868,500, C>A. VCF-style: chr12-868500-C-A. GRCh37 (hg19) VCF-style: chr12-977666-C-A.
Other names: c.2774C>A, p.Pro925His (NM_001184985.2); c.2140-2765C>A (NM_018979.4, NM_014823.3); short protein forms P925H, P1010H.
Identifiers: ClinVar variation 948183 (VCV000948183.9), dbSNP rs750384751, ClinGen allele CA6382288.